The following is an entry in ClinVar:

ClinVar aggregate classification (germline): Uncertain significance (0 of 4 stars; one submission).

Conditions:
CDK20-related disorder. Also called: CDK20-related condition.

Allele frequency attached by ClinVar (database versions not stated): gnomAD 0.00001; 1000 Genomes Project 30x 0.00016; 1000 Genomes Project 0.00020.

Submission:

PreventionGenetics, part of Exact Sciences
Classification: Uncertain significance for CDK20-related condition. Last evaluated: 2024-01-26. Review status: no assertion criteria provided. Collection method: clinical testing. Allele origin: germline.
Comment: The CDK20 c.271G>A variant is predicted to result in the amino acid substitution p.Val91Met. To our knowledge, this variant has not been reported in the literature or in a large population database, indicating this variant is rare. At this time, the clinical significance of this variant is uncertain due to the absence of conclusive functional and genetic evidence.

NM_001039803.3(CDK20):c.271G>A (p.Val91Met)

Gene: CDK20 (cyclin dependent kinase 20; minus strand). Cytogenetic location: 9q22.1.
Variant type: single nucleotide variant.
Coding change: c.271G>A on transcript NM_001039803.3 (MANE Select); coding-DNA position 271, G replaced by A.
Protein change: p.Val91Met; replaces valine 91 with methionine.
Molecular consequence: missense variant.
Genome position (GRCh38, 1-based): chr9:87,971,254, C>T on the plus strand (G>A on the coding strand, the complement: CDK20 is on the minus strand). VCF-style: chr9-87971254-C-T. GRCh37 (hg19) VCF-style: chr9-90586169-C-T.
Other names: c.271G>A, p.Val91Met (NM_001170639.2, NM_001170640.2, NM_012119.5); c.310G>A, p.Val104Met (NM_178432.4); short protein forms V104M, V91M.
Identifiers: ClinVar variation 3029878 (VCV003029878.2), dbSNP rs564653137, ClinGen allele CA195610465.